The following is an entry in ClinVar:

NM_024818.6(UBA5):c.758G>C (p.Ser253Thr)

Genes: UBA5 (ubiquitin like modifier activating enzyme 5; plus strand), NPHP3-ACAD11 (NPHP3-ACAD11 readthrough (NMD candidate); minus strand). Cytogenetic location: 3q22.1.
Variant type: single nucleotide variant.
Coding change: c.758G>C on transcript NM_024818.6 (MANE Select); coding-DNA position 758, G replaced by C.
Protein change: p.Ser253Thr; replaces serine 253 with threonine.
Molecular consequence: missense variant.
Genome position (GRCh38, 1-based): chr3:132,672,123, G>C. VCF-style: chr3-132672123-G-C. GRCh37 (hg19) VCF-style: chr3-132390967-G-C.
Other names: c.590G>C, p.Ser197Thr (NM_001320210.2, NM_198329.4); c.488G>C, p.Ser163Thr (NM_001321238.2); c.422G>C, p.Ser141Thr (NM_001321239.1); short protein forms S141T, S163T, S197T, S253T.
Identifiers: ClinVar variation 3773977 (VCV003773977.1).

ClinVar aggregate classification (germline): Likely pathogenic (1 of 4 stars; one submission).

Submission:

GeneDx
Classification: Likely pathogenic. Last evaluated: 2024-09-17. Review status: criteria provided, single submitter. Criteria: GeneDx Variant Classification Process June 2021. Collection method: clinical testing. Allele origin: germline. Affected: yes.
Comment: Not observed at significant frequency in large population cohorts (gnomAD); In silico analysis supports that this missense variant has a deleterious effect on protein structure/function; Has not been previously published as pathogenic or benign to our knowledge